The following is an entry in ClinVar:

NM_014806.5(RUSC2):c.2564C>T (p.Pro855Leu)

Gene: RUSC2 (RUN and SH3 domain containing 2; plus strand). Cytogenetic location: 9p13.3.
Variant type: single nucleotide variant.
Coding change: c.2564C>T on transcript NM_014806.5 (MANE Select); coding-DNA position 2564, C replaced by T.
Protein change: p.Pro855Leu; replaces proline 855 with leucine.
Molecular consequence: missense variant. On other transcripts: 5 prime UTR variant (1), non-coding transcript variant (1).
Genome position (GRCh38, 1-based): chr9:35,555,609, C>T. VCF-style: chr9-35555609-C-T. GRCh37 (hg19) VCF-style: chr9-35555606-C-T.
Other names: c.2564C>T, p.Pro855Leu (NM_001135999.2); c.-71C>T (NM_001330740.2); short protein forms P855L.
Identifiers: ClinVar variation 2179687 (VCV002179687.3), dbSNP rs756226958, ClinGen allele CA5043893.

ClinVar aggregate classification (germline): Uncertain significance (1 of 4 stars; one submission).

Allele frequency attached by ClinVar (database versions not stated): gnomAD exomes 0.00002; TOPMed 0.00002; ExAC 0.00005; gnomAD 0.00005.
gnomAD v4.1: 40 of 1,613,204 alleles (0.0025%); highest among the groups gnomAD compares: South Asian, 0.027%; 1 homozygote.

Submission:

Labcorp Genetics (formerly Invitae), Labcorp
Classification: Uncertain significance. Last evaluated: 2025-11-17. Review status: criteria provided, single submitter. Criteria: Invitae Variant Classification Sherloc (09022015). Collection method: clinical testing. Allele origin: germline.
Comment: This sequence change replaces proline, which is neutral and non-polar, with leucine, which is neutral and non-polar, at codon 855 of the RUSC2 protein (p.Pro855Leu). This variant is present in population databases (rs756226958, gnomAD 0.02%). This variant has not been reported in the literature in individuals affected with RUSC2-related conditions. ClinVar contains an entry for this variant (Variation ID: 2179687). An algorithm developed to predict the effect of missense changes on protein structure and function (PolyPhen-2) suggests that this variant is likely to be disruptive. In summary, the available evidence is currently insufficient to determine the role of this variant in disease. Therefore, it has been classified as a Variant of Uncertain Significance.